The following is an entry in ClinVar:

ClinVar aggregate classification (germline): Uncertain significance (1 of 4 stars; one submission).

Submission:

Labcorp Genetics (formerly Invitae), Labcorp
Classification: Uncertain significance. Last evaluated: 2023-12-21. Review status: criteria provided, single submitter. Criteria: Invitae Variant Classification Sherloc (09022015). Collection method: clinical testing. Allele origin: germline.
Comment: This sequence change replaces arginine, which is basic and polar, with leucine, which is neutral and non-polar, at codon 415 of the MCM3AP protein (p.Arg415Leu). This variant is not present in population databases (gnomAD no frequency). This variant has not been reported in the literature in individuals affected with MCM3AP-related conditions. ClinVar contains an entry for this variant (Variation ID: 1387259). An algorithm developed to predict the effect of missense changes on protein structure and function (PolyPhen-2) suggests that this variant is likely to be tolerated. In summary, the available evidence is currently insufficient to determine the role of this variant in disease. Therefore, it has been classified as a Variant of Uncertain Significance.

NM_003906.5(MCM3AP):c.1244G>T (p.Arg415Leu)

Gene: MCM3AP (minichromosome maintenance complex component 3 associated protein; minus strand). Cytogenetic location: 21q22.3.
Variant type: single nucleotide variant.
Coding change: c.1244G>T on transcript NM_003906.5 (MANE Select); coding-DNA position 1244, G replaced by T.
Protein change: p.Arg415Leu; replaces arginine 415 with leucine.
Molecular consequence: missense variant.
Genome position (GRCh38, 1-based): chr21:46,283,814, C>A on the plus strand (G>T on the coding strand, the complement: MCM3AP is on the minus strand). VCF-style: chr21-46283814-C-A. GRCh37 (hg19) VCF-style: chr21-47703728-C-A.
Other names: short protein forms R415L.
Identifiers: ClinVar variation 1387259 (VCV001387259.6), dbSNP rs146531143, ClinGen allele CA410532097.